The following is an entry in ClinVar:

ClinVar aggregate classification (germline): Uncertain significance (1 of 4 stars; one submission).

Conditions:
Hereditary cancer-predisposing syndrome. Also called: Neoplastic Syndromes, Hereditary; Tumor predisposition; Hereditary neoplastic syndrome; Hereditary Cancer Syndrome. Identifiers: Orphanet 140162, MedGen C0027672, MeSH D009386, MONDO:0015356.

Submission:

Ambry Genetics
Classification: Uncertain significance for Hereditary cancer-predisposing syndrome. Last evaluated: 2023-10-27. Review status: criteria provided, single submitter. Criteria: Ambry Variant Classification Scheme 2023. Collection method: clinical testing. Allele origin: germline.
Comment: The p.T1173P variant (also known as c.3517A>C), located in coding exon 29 of the TSC2 gene, results from an A to C substitution at nucleotide position 3517. The threonine at codon 1173 is replaced by proline, an amino acid with highly similar properties. This amino acid position is conserved. In addition, this alteration is predicted to be tolerated by in silico analysis. Since supporting evidence is limited at this time, the clinical significance of this alteration remains unclear.

NM_000548.5(TSC2):c.3517A>C (p.Thr1173Pro)

Gene: TSC2 (TSC complex subunit 2; plus strand). Cytogenetic location: 16p13.3.
Variant type: single nucleotide variant.
Coding change: c.3517A>C on transcript NM_000548.5 (MANE Select); coding-DNA position 3517, A replaced by C.
Protein change: p.Thr1173Pro; replaces threonine 1173 with proline.
Molecular consequence: missense variant. On other transcripts: non-coding transcript variant (5).
Genome position (GRCh38, 1-based): chr16:2,080,284, A>C. VCF-style: chr16-2080284-A-C. GRCh37 (hg19) VCF-style: chr16-2130285-A-C.
Other names: c.3385A>C, p.Thr1129Pro (NM_001077183.3, NM_001370404.1, NM_001406665.1); c.3517A>C, p.Thr1173Pro (NM_001114382.3); c.3277A>C, p.Thr1093Pro (NM_001318827.2); c.3241A>C, p.Thr1081Pro (NM_001318829.2); c.2785A>C, p.Thr929Pro (NM_001318831.2, NM_001406687.1, NM_001406688.1); c.3418A>C, p.Thr1140Pro (NM_001318832.2); c.3388A>C, p.Thr1130Pro (NM_001363528.2, NM_001370405.1, NM_021055.3); c.3514A>C, p.Thr1172Pro (NM_001406663.1, NM_001406664.1); and 18 more; short protein forms T1080P, T1081P, T1092P, T1093P, T1110P, T1123P, T1124P, T1125P.
Identifiers: ClinVar variation 3232146 (VCV003232146.1), dbSNP rs766827673, ClinGen allele CA394289308.